The following is an entry in ClinVar:

ClinVar aggregate classification (germline): Uncertain significance (1 of 4 stars; one submission).

Conditions:
Nephronophthisis 14 (NPHP14). Identifiers: Orphanet 2318, MedGen C3539071, MONDO:0013916, OMIM 614844.

Allele frequency attached by ClinVar (database versions not stated): gnomAD exomes below 0.00001 and 0.00002; TOPMed below 0.00001; gnomAD 0.00001; ExAC 0.00003.
gnomAD v4.1: 7 of 1,591,700 alleles (0.00044%); highest among the groups gnomAD compares: Admixed American, 0.0037%; no homozygotes.

Submission:

Labcorp Genetics (formerly Invitae), Labcorp
Classification: Uncertain significance for Nephronophthisis 14. Last evaluated: 2022-10-04. Review status: criteria provided, single submitter. Criteria: Invitae Variant Classification Sherloc (09022015). Collection method: clinical testing. Allele origin: germline.
Comment: In summary, the available evidence is currently insufficient to determine the role of this variant in disease. Therefore, it has been classified as a Variant of Uncertain Significance. Advanced modeling of protein sequence and biophysical properties (such as structural, functional, and spatial information, amino acid conservation, physicochemical variation, residue mobility, and thermodynamic stability) performed at Invitae indicates that this missense variant is not expected to disrupt ZNF423 protein function. ClinVar contains an entry for this variant (Variation ID: 842483). This variant has not been reported in the literature in individuals affected with ZNF423-related conditions. This variant is present in population databases (rs754257608, gnomAD 0.007%). This sequence change replaces arginine, which is basic and polar, with tryptophan, which is neutral and slightly polar, at codon 1154 of the ZNF423 protein (p.Arg1154Trp).

NM_001379286.1(ZNF423):c.3484C>T (p.Arg1162Trp)

Gene: ZNF423 (zinc finger protein 423; minus strand). Cytogenetic location: 16q12.1.
Variant type: single nucleotide variant.
Coding change: c.3484C>T on transcript NM_001379286.1 (MANE Select); coding-DNA position 3484, C replaced by T.
Protein change: p.Arg1162Trp; replaces arginine 1162 with tryptophan.
Molecular consequence: missense variant.
Genome position (GRCh38, 1-based): chr16:49,635,692, G>A on the plus strand (C>T on the coding strand, the complement: ZNF423 is on the minus strand). VCF-style: chr16-49635692-G-A. GRCh37 (hg19) VCF-style: chr16-49669603-G-A.
Other names: c.3280C>T, p.Arg1094Trp (NM_001271620.2); c.3109C>T, p.Arg1037Trp (NM_001330533.2); c.3460C>T, p.Arg1154Trp (NM_015069.5); short protein forms R1154W, R1037W, R1094W, R1162W.
Identifiers: ClinVar variation 842483 (VCV000842483.8), dbSNP rs754257608, ClinGen allele CA8046290.